The following is an entry in ClinVar:

NM_001042492.3(NF1):c.3025A>G (p.Ile1009Val)

Gene: NF1 (neurofibromin 1; plus strand). Cytogenetic location: 17q11.2.
Variant type: single nucleotide variant.
Coding change: c.3025A>G on transcript NM_001042492.3 (MANE Select); coding-DNA position 3025, A replaced by G.
Protein change: p.Ile1009Val; replaces isoleucine 1009 with valine.
Molecular consequence: missense variant.
Genome position (GRCh38, 1-based): chr17:31,230,294, A>G. VCF-style: chr17-31230294-A-G. GRCh37 (hg19) VCF-style: chr17-29557312-A-G.
Other names: c.3025A>G, p.Ile1009Val (NM_000267.4); short protein forms I1009V.
Identifiers: ClinVar variation 808251 (VCV000808251.54), dbSNP rs1597716866, ClinGen allele CA398986622.

ClinVar aggregate classification (germline): Uncertain significance. Review status: criteria provided, multiple submitters, no conflicts (2 of 4 stars). 5 submissions from 5 submitters: Uncertain significance (5). Last evaluated 2026-05-24.

Conditions:
Cardiovascular phenotype. Identifiers: MedGen CN230736.
Hereditary cancer-predisposing syndrome. Also called: Neoplastic Syndromes, Hereditary; Hereditary neoplastic syndrome; Tumor predisposition; Hereditary Cancer Syndrome. Identifiers: Orphanet 140162, MedGen C0027672, MeSH D009386, MONDO:0015356.
Neurofibromatosis, type 1 (NF1). Also called: VON RECKLINGHAUSEN DISEASE; Neurofibromatosis, type I; Peripheral type neurofibromatosis; NEUROFIBROMATOSIS, TYPE I, SOMATIC. Identifiers: Orphanet 636, MedGen C0027831, MONDO:0018975, OMIM 162200. Disease mechanism: loss of function.

Allele frequency attached by ClinVar (database versions not stated): gnomAD exomes below 0.00001.
gnomAD v4.1: 1 of 1,613,394 alleles (0.000062%); highest among the groups gnomAD compares: Non-Finnish European, 0.000085%; no homozygotes.

Submissions (5):

GeneDx
Classification: Uncertain significance. Last evaluated: 2026-05-24. Review status: criteria provided, single submitter. Criteria: GeneDx Variant Classification Process June 2021. Collection method: clinical testing. Allele origin: germline.
Comment: Not observed at significant frequency in large population cohorts (gnomAD); In silico analysis suggests that this missense variant does not alter protein structure/function; Has not been previously published as pathogenic or benign to our knowledge; This variant is associated with the following publications: (PMID: 25486365, 2121369)

Ambry Genetics
Classification: Uncertain significance for Cardiovascular phenotype; Hereditary cancer-predisposing syndrome. Last evaluated: 2025-08-26. Review status: criteria provided, single submitter. Criteria: Ambry Variant Classification Scheme 2023. Collection method: clinical testing. Allele origin: germline.
Comment: The p.I1009V variant (also known as c.3025A>G), located in coding exon 23 of the NF1 gene, results from an A to G substitution at nucleotide position 3025. The isoleucine at codon 1009 is replaced by valine, an amino acid with highly similar properties. This amino acid position is highly conserved in available vertebrate species. In addition, this alteration is predicted to be tolerated by in silico analysis. Since supporting evidence is limited at this time, the clinical significance of this alteration remains unclear.

Labcorp Genetics (formerly Invitae), Labcorp
Classification: Uncertain significance for Neurofibromatosis, type 1. Last evaluated: 2024-08-15. Review status: criteria provided, single submitter. Criteria: Invitae Variant Classification Sherloc (09022015). Collection method: clinical testing. Allele origin: germline.
Comment: This sequence change replaces isoleucine, which is neutral and non-polar, with valine, which is neutral and non-polar, at codon 1009 of the NF1 protein (p.Ile1009Val). This variant is not present in population databases (gnomAD no frequency). This variant has not been reported in the literature in individuals affected with NF1-related conditions. ClinVar contains an entry for this variant (Variation ID: 808251). Invitae Evidence Modeling of protein sequence and biophysical properties (such as structural, functional, and spatial information, amino acid conservation, physicochemical variation, residue mobility, and thermodynamic stability) has been performed for this missense variant. However, the output from this modeling did not meet the statistical confidence thresholds required to predict the impact of this variant on NF1 protein function. In summary, the available evidence is currently insufficient to determine the role of this variant in disease. Therefore, it has been classified as a Variant of Uncertain Significance.

Genome-Nilou Lab
Classification: Uncertain significance for Neurofibromatosis, type 1. Last evaluated: 2022-03-15. Review status: criteria provided, single submitter. Criteria: ACMG Guidelines, 2015. Collection method: clinical testing. Allele origin: germline. Affected: no.

CeGaT Center for Human Genetics Tuebingen
Classification: Uncertain significance. Last evaluated: 2016-12-01. Review status: criteria provided, single submitter. Criteria: CeGaT Center For Human Genetics Tuebingen Variant Classification Criteria Version 2. Collection method: clinical testing. Allele origin: germline. Affected: yes. Observed: 1 variant allele.